The following is an entry in ClinVar:

ClinVar aggregate classification (germline): Uncertain significance (1 of 4 stars; one submission).

Conditions:
Schimke immuno-osseous dysplasia (SIOD). Also called: Schimke Immunoosseous Dysplasia. Identifiers: Orphanet 1830, MedGen C0877024, MONDO:0009458, OMIM 242900.

Submission:

Labcorp Genetics (formerly Invitae), Labcorp
Classification: Uncertain significance for Schimke immuno-osseous dysplasia. Last evaluated: 2022-05-25. Review status: criteria provided, single submitter. Criteria: Invitae Variant Classification Sherloc (09022015). Collection method: clinical testing. Allele origin: germline.
Comment: This sequence change replaces glutamic acid, which is acidic and polar, with lysine, which is basic and polar, at codon 928 of the SMARCAL1 protein (p.Glu928Lys). This variant is not present in population databases (gnomAD no frequency). This variant has not been reported in the literature in individuals affected with SMARCAL1-related conditions. Algorithms developed to predict the effect of missense changes on protein structure and function (SIFT, PolyPhen-2, Align-GVGD) all suggest that this variant is likely to be tolerated. In summary, the available evidence is currently insufficient to determine the role of this variant in disease. Therefore, it has been classified as a Variant of Uncertain Significance.

NM_014140.4(SMARCAL1):c.2782G>A (p.Glu928Lys)

Gene: SMARCAL1 (SNF2 related chromatin remodeling annealing helicase 1; plus strand). Cytogenetic location: 2q35.
Variant type: single nucleotide variant.
Coding change: c.2782G>A on transcript NM_014140.4 (MANE Select); coding-DNA position 2782, G replaced by A.
Protein change: p.Glu928Lys; replaces glutamic acid 928 with lysine.
Molecular consequence: missense variant.
Genome position (GRCh38, 1-based): chr2:216,482,894, G>A. VCF-style: chr2-216482894-G-A. GRCh37 (hg19) VCF-style: chr2-217347617-G-A.
Other names: c.2782G>A, p.Glu928Lys (NM_001127207.2); short protein forms E928K.
Identifiers: ClinVar variation 2167745 (VCV002167745.1), dbSNP rs1695231842, ClinGen allele CA350505466.